The following is an entry in ClinVar:

NM_000944.5(PPP3CA):c.1350G>A (p.Glu450=)

Gene: PPP3CA (protein phosphatase 3 catalytic subunit alpha; minus strand). Cytogenetic location: 4q24.
Variant type: single nucleotide variant.
Coding change: c.1350G>A on transcript NM_000944.5 (MANE Select); coding-DNA position 1350, G replaced by A.
Protein change: p.Glu450=; no amino-acid change (glutamic acid 450 retained).
Molecular consequence: synonymous variant. On other transcripts: intron variant (2).
Genome position (GRCh38, 1-based): chr4:101,029,185, C>T on the plus strand (G>A on the coding strand, the complement: PPP3CA is on the minus strand). VCF-style: chr4-101029185-C-T. GRCh37 (hg19) VCF-style: chr4-101950342-C-T.
Other names: c.1213+3082G>A (NM_001130692.2); c.1339+3082G>A (NM_001130691.2).
Identifiers: ClinVar variation 2809778 (VCV002809778.3), dbSNP rs769122648, ClinGen allele CA3024252.
Genomic context (GRCh38, chr4:101,029,185, plus strand): 5'-ATCTGTTGCAGGTACAACAGAAAGGGGACTGGCCAATTTACCTTCATCAGCCTCAATAGC[C>T]TCAACAGTAGCTGAAGAGAAGAAAGGGGGTGCAAAATGAATGAGAAAAATGAGCAGAGGA-3'
Protein context (NP_000935.1, residues 440-460): GKQTLQSATV[Glu450=]AIEADEAIKG

ClinVar aggregate classification (germline): Uncertain significance (1 of 4 stars; one submission).

Allele frequency attached by ClinVar (database versions not stated): gnomAD exomes below 0.00001; ExAC 0.00001.
gnomAD v4.1: 1 of 1,608,294 alleles (0.000062%); highest among the groups gnomAD compares: Non-Finnish European, 0.000085%; no homozygotes.

Submission:

Labcorp Genetics (formerly Invitae), Labcorp
Classification: Uncertain significance. Last evaluated: 2022-10-26. Review status: criteria provided, single submitter. Criteria: Invitae Variant Classification Sherloc (09022015). Collection method: clinical testing. Allele origin: germline.
Comment: This sequence change affects codon 450 of the PPP3CA mRNA. It is a 'silent' change, meaning that it does not change the encoded amino acid sequence of the PPP3CA protein. This variant is present in population databases (rs769122648, gnomAD 0.0009%). In summary, the available evidence is currently insufficient to determine the role of this variant in disease. Therefore, it has been classified as a Variant of Uncertain Significance. Algorithms developed to predict the effect of sequence changes on RNA splicing suggest that this variant may create or strengthen a splice site. This variant has not been reported in the literature in individuals affected with PPP3CA-related conditions.